The following is an entry in ClinVar:

NM_080425.4(GNAS):c.1598C>G (p.Pro533Arg)

Gene: GNAS (GNAS complex locus; plus strand). Cytogenetic location: 20q13.32.
Variant type: single nucleotide variant.
Coding change: c.1598C>G on transcript NM_080425.4 (MANE Plus Clinical); coding-DNA position 1598, C replaced by G.
Protein change: p.Pro533Arg; replaces proline 533 with arginine.
Molecular consequence: missense variant. On other transcripts: intron variant (3), genic upstream transcript variant (1).
Genome position (GRCh38, 1-based): chr20:58,854,863, C>G. VCF-style: chr20-58854863-C-G. GRCh37 (hg19) VCF-style: chr20-57429918-C-G.
Other names: c.1411C>G, p.Pro471Ala (NM_001077490.3, NM_001309883.1); c.1598C>G, p.Pro533Arg (NM_001410913.1); c.*42+13977C>G (NM_016592.5); c.43+13977C>G (NM_001410912.1); c.-39+12988C>G (NM_001309861.2); c.-36864C>G (NM_000516.7); short protein forms P471A, P533R.
Identifiers: ClinVar variation 3349544 (VCV003349544.2).
Genomic context (GRCh38, chr20:58,854,863, plus strand): 5'-CGGCCTCTGCAGCCCCTGCCTCCGGGGCCAGACGCAAGATCCATCTCAGACCCCCCAGCC[C>G]CGAGATCCAGGCTGCCGATCCGCCTACTCCGCGGCCTACTCGCGCGTCTGCCTGGCGGGG-3'
Protein context (NP_536350.2, residues 523-543): RRKIHLRPPS[Pro533Arg]EIQAADPPTP

ClinVar aggregate classification (germline): Uncertain significance. Review status: criteria provided, single submitter (1 of 4 stars). 2 submissions from 2 submitters: Uncertain significance (1). 1 of the submissions does not count toward it. Last evaluated 2025-09-03.

Conditions:
GNAS-related disorder. Identifiers: MedGen CN380105.

gnomAD v4.1: 13 of 1,596,858 alleles (0.00081%); highest among the groups gnomAD compares: Non-Finnish European, 0.001%; no homozygotes.

Submissions (2):

Women's Health and Genetics/Laboratory Corporation of America, LabCorp
Classification: Uncertain significance. Last evaluated: 2025-09-03. Review status: criteria provided, single submitter. Criteria: LabCorp Variant Classification Summary - May 2015. Collection method: clinical testing. Allele origin: germline.
Comment: Variant summary: GNAS c.-36864C>G (also known as c.1598C>G, p.Pro533Arg in NM_080425) is located in the untranscribed region upstream of the GNAS gene region. The variant allele was found at a frequency of 1.4e-05 in 212884 control chromosomes (gnomAD). The available data on variant occurrences in the general population are insufficient to allow any conclusion about variant significance. To our knowledge, no occurrence of c.-36864C>G in individuals affected with GNAS-related conditions and no experimental evidence demonstrating its impact on protein function have been reported. ClinVar contains an entry for this variant (Variation ID: 3349544). Based on the evidence outlined above, the variant was classified as uncertain significance.

PreventionGenetics, part of Exact Sciences
Classification: Uncertain significance for GNAS-related condition. Last evaluated: 2024-06-05. Review status: no assertion criteria provided. Collection method: clinical testing. Allele origin: germline. Not counted in ClinVar's aggregate classification.
Comment: The GNAS c.1598C>G variant is predicted to result in the amino acid substitution p.Pro533Arg. In the primary transcript of this gene (NM_000516), this variant lies at position c.-36864C>G and is considered pre-coding. To our knowledge, this variant has not been reported in the literature. This variant is reported in 0.0032% of alleles in individuals of European (Non-Finnish) descent in gnomAD. At this time, the clinical significance of this variant is uncertain due to the absence of conclusive functional and genetic evidence.